The following is an entry in ClinVar:

ClinVar aggregate classification (germline): Uncertain significance (1 of 4 stars; one submission).

Submission:

GeneDx
Classification: Uncertain significance. Last evaluated: 2024-10-11. Review status: criteria provided, single submitter. Criteria: GeneDx Variant Classification Process June 2021. Collection method: clinical testing. Allele origin: germline. Affected: yes.
Comment: Not observed at significant frequency in large population cohorts (gnomAD); In-frame deletion of 2 amino acids and insertion of 1 different amino acid in a non-repeat region; In silico analysis indicates that this variant does not alter protein structure/function; Has not been previously published as pathogenic or benign to our knowledge

NM_016312.3(WBP11):c.223_226delinsC (p.Glu75_Lys76delinsGln)

Gene: WBP11 (WW domain binding protein 11; minus strand). Cytogenetic location: 12p12.3.
Variant type: Indel.
Coding change: c.223_226delinsC on transcript NM_016312.3 (MANE Select); coding-DNA positions 223 to 226, GAGA replaced by C.
Protein change: p.Glu75_Lys76delinsGln.
Molecular consequence: inframe indel.
Genome position (GRCh38, 1-based): chr12:14,796,968-14,796,971, TCTC replaced by G on the plus strand (GAGA replaced by C on the coding strand, the reverse complement: WBP11 is on the minus strand). VCF-style: chr12-14796968-TCTC-G. GRCh37 (hg19) VCF-style: chr12-14949902-TCTC-G.
Identifiers: ClinVar variation 3777268 (VCV003777268.1).
Genomic context (GRCh38, chr12:14,796,968, plus strand): 5'-AGAGTCGTAGAATACGTTCAAAGGTTTCACGCAGCTTTTTACGCTTGTCTTTCAGTACTT[TCTC>G]ATTTAATTGTGGCTGTTGCACTGGGTTAAACTCTAAGAGAAAAAGTAGATTATGGAATTA-3'